The following is an entry in ClinVar:

NM_000535.7(PMS2):c.2559C>G (p.Ile853Met)

Gene: PMS2 (PMS1 homolog 2, mismatch repair system component; minus strand). Cytogenetic location: 7p22.1.
Variant type: single nucleotide variant.
Coding change: c.2559C>G on transcript NM_000535.7 (MANE Select); coding-DNA position 2559, C replaced by G.
Protein change: p.Ile853Met; replaces isoleucine 853 with methionine.
Molecular consequence: missense variant. On other transcripts: non-coding transcript variant (1).
Genome position (GRCh38, 1-based): chr7:5,973,429, G>C on the plus strand (C>G on the coding strand, the complement: PMS2 is on the minus strand). VCF-style: chr7-5973429-G-C. GRCh37 (hg19) VCF-style: chr7-6013060-G-C.
Other names: c.2559C>G (NM_000535.6); c.2154C>G, p.Ile718Met (NM_001322003.2, NM_001322004.2, NM_001322005.2); c.2403C>G, p.Ile801Met (NM_001322006.2); c.2241C>G, p.Ile747Met (NM_001322007.2, NM_001322008.2); c.2187C>G, p.Ile729Met (NM_001322009.2); c.1998C>G, p.Ile666Met (NM_001322010.2); c.1626C>G, p.Ile542Met (NM_001322011.2, NM_001322012.2); c.1986C>G, p.Ile662Met (NM_001322013.2); and 2 more; short protein forms I853M, I718M, I750M, I542M, I662M, I729M, I864M, I666M.
Identifiers: ClinVar variation 142688 (VCV000142688.70), dbSNP rs371673459, ClinGen allele CA011680.
Genomic context (GRCh38, chr7:5,973,429, plus strand): 5'-AAAACCAATTATTCCATACAGTGACTACGGTCAGTTCTGAGAAATGACACCCAGGTTGGC[G>C]ATGTGTCTCATGGTTGGCCTTCCATGGGGACAGTTCCAGGGGTGGTCCATCTCCCCCATG-3'
Protein context (NP_000526.2, residues 843-862): CPHGRPTMRH[Ile853Met]ANLGVISQN

ClinVar aggregate classification (germline): Conflicting classifications of pathogenicity. Review status: criteria provided, conflicting classifications (1 of 4 stars). 17 submissions from 17 submitters: Uncertain significance (10); Benign (2); Likely benign (5). Last evaluated 2026-01-25.

Conditions:
Hereditary nonpolyposis colorectal neoplasms. Identifiers: MedGen C0009405, MeSH D003123.
PMS2-related disorder. Also called: PMS2-related condition.
Lynch syndrome. Identifiers: Orphanet 144, MedGen C4552100, MONDO:0005835. Disease mechanism: loss of function.
Mismatch repair cancer syndrome 4. Identifiers: MedGen C5436817, MONDO:0030843, OMIM 619101.
Breast and/or ovarian cancer. Identifiers: MedGen CN221562.
Hereditary cancer-predisposing syndrome. Also called: Tumor predisposition; Hereditary neoplastic syndrome; Hereditary Cancer Syndrome; Neoplastic Syndromes, Hereditary. Identifiers: Orphanet 140162, MedGen C0027672, MeSH D009386, MONDO:0015356.

Allele frequency attached by ClinVar (database versions not stated): gnomAD 0.00007; gnomAD exomes 0.00009; ESP Exome Variant Server 0.00017; ExAC 0.00024.
gnomAD v4.1: 83 of 977,138 alleles (0.0085%); highest among the groups gnomAD compares: Middle Eastern, 0.03%; 6 homozygotes.

Submissions 1 to 10 of 17:

Labcorp Genetics (formerly Invitae), Labcorp
Classification: Benign for Hereditary nonpolyposis colorectal neoplasms. Last evaluated: 2026-01-25. Review status: criteria provided, single submitter. Criteria: Invitae Variant Classification Sherloc (09022015). Collection method: clinical testing. Allele origin: germline.

PreventionGenetics, part of Exact Sciences
Classification: Likely benign for PMS2-related condition. Last evaluated: 2025-07-24. Review status: criteria provided, single submitter. Criteria: ACMG Guidelines, 2015. Collection method: clinical testing. Allele origin: germline.
Comment: This variant is classified as likely benign based on ACMG/AMP sequence variant interpretation guidelines (Richards et al. 2015 PMID: 25741868, with internal and published modifications).

Dasa
Classification: Uncertain significance. Last evaluated: 2025-05-30. Review status: criteria provided, single submitter. Criteria: DASA Assertion Criteria. Collection method: clinical testing. Allele origin: germline.
Comment: NM_000535.7(PMS2):c.2559C>G (p.Ile853Met) is a missense variant that results in the substitution of isoleucine with methionine. This variant is rare in population databases. Computational prediction algorithms are consistent with a benign effect. The currently available literature and clinical evidence are not sufficient to establish a definitive association between this variant and the reported condition. Therefore, this variant is classified as a variant of uncertain significance.

Center for Genomic Medicine, Rigshospitalet, Copenhagen University Hospital
Classification: Uncertain significance. Last evaluated: 2025-03-04. Review status: criteria provided, single submitter. Criteria: ACMG Guidelines, 2015. Collection method: clinical testing. Allele origin: germline.

Blueprint Genetics
Classification: Likely benign. Last evaluated: 2024-10-16. Review status: criteria provided, single submitter. Criteria: ACMG Guidelines, 2015. Collection method: clinical testing. Allele origin: germline.

Quest Diagnostics Nichols Institute San Juan Capistrano
Classification: Uncertain significance. Last evaluated: 2024-09-19. Review status: criteria provided, single submitter. Criteria: Quest Diagnostics criteria. Collection method: clinical testing. Allele origin: unknown.
Comment: The PMS2 c.2559C>G (p.Ile853Met) variant has been reported in the published literature in individuals with pancreatic cancer (PMID: 29360161 (2018), 27449771 (2016)), prostate cancer (PMID: 29360161 (2018)), breast cancer (PMID: 25186627 (2015)), and an unspecified cancer (PMID: 31391288 (2020)). This variant has also been identified in at least one reportedly healthy individual (PMID: 33471991 (2021), see also LOVD). A cell-based study indicated that this variant has no damaging effect on PMS2 protein function (PMID: 28494185 (2017)). The frequency of this variant in the general population, 0.00028 (7/25322 chromosomes (Genome Aggregation Database)), is uninformative in the assessment of its pathogenicity. Analysis of this variant using bioinformatics tools for the prediction of the effect of amino acid changes on protein structure and function yielded predictions that this variant is benign. Based on the available information, we are unable to determine the clinical significance of this variant.

GeneDx
Classification: Uncertain significance. Last evaluated: 2024-08-27. Review status: criteria provided, single submitter. Criteria: GeneDx Variant Classification Process June 2021. Collection method: clinical testing. Allele origin: germline. Affected: yes.
Comment: Published functional studies demonstrate no damaging effect: similar to wild type in assays assessing RNA and protein expression, viability, apoptosis induction, and DNA damage signaling (PMID: 28494185); In silico analysis supports that this missense variant does not alter protein structure/function; Observed in individuals with a personal or family history including breast, pancreatic, colon, and/or other cancers, including one who also carried a loss-of-function variant in CHEK2 (PMID: 25186627, 27449771, 29360161, 31391288, 37534630, 38567167); This variant is associated with the following publications: (PMID: 29360161, 25186627, 33471991, 37534630, 27449771, 31391288, 28494185, 38567167)

Women's Health and Genetics/Laboratory Corporation of America, LabCorp
Classification: Benign. Last evaluated: 2024-04-29. Review status: criteria provided, single submitter. Criteria: LabCorp Variant Classification Summary - May 2015. Collection method: clinical testing. Allele origin: germline.
Comment: Variant summary: PMS2 c.2559C>G (p.Ile853Met) results in a conservative amino acid change in the encoded protein sequence. Four of five in-silico tools predict a benign effect of the variant on protein function. The variant allele was found at a frequency of 8.5e-05 in 977138 control chromosomes in the gnomAD database, including 6 homozygotes. The observed variant frequency is approximately 1.2 fold of the estimated maximal expected allele frequency for a pathogenic variant in PMS2 causing Hereditary Nonpolyposis Colorectal Cancer/Lynch Syndrome phenotype (7.1e-05), strongly suggesting that the variant is benign. c.2559C>G has been reported in the literature in settings of multigene panel testing (example, Tung_2014, Yang_2016). These report(s) do not provide unequivocal conclusions about association of the variant with Hereditary Nonpolyposis Colorectal Cancer/Lynch Syndrome. At least one publication reports experimental evidence evaluating an impact on protein function (Arora_2017). These results showed no damaging effect of this variant. The following publications have been ascertained in the context of this evaluation (PMID: 25186627, 27449771, 28494185). ClinVar contains an entry for this variant (Variation ID: 142688). Based on the evidence outlined above, the variant was classified as benign.

Color Diagnostics, LLC DBA Color Health
Classification: Uncertain significance for Hereditary cancer-predisposing syndrome. Last evaluated: 2024-03-01. Review status: criteria provided, single submitter. Criteria: ACMG Guidelines, 2015. Collection method: clinical testing. Allele origin: germline.
Comment: This missense variant replaces isoleucine with methionine at codon 853 of the PMS2 protein. Computational prediction suggests that this variant may not impact protein structure and function (internally defined REVEL score threshold <= 0.5, PMID: 27666373). A functional study has reported the mutant protein did not significantly impact expression, cell viability, and DNA damage response compared to wild type protein (PMID: 28494185). This variant has been reported in an individual affected with an unspecified cancer with tumor characteristics suggestive of Lynch syndrome (PMID: 31391288), an individual affected with breast cancer (PMID: 37534630), and two unaffected control individuals in a large breast cancer case-control study (PMID: 33471991). This variant has been identified in 24/218728 chromosomes in the general population by the Genome Aggregation Database (gnomAD). However, this observed allele frequency is not considered reliable, because the gnomAD dataset does not disambiguate possible interference from homologous sequences in the PMS2CL pseudogene. The available evidence is insufficient to determine the role of this variant in disease conclusively. Therefore, this variant is classified as a Variant of Uncertain Significance.

Genetic Services Laboratory, University of Chicago
Classification: Uncertain significance. Last evaluated: 2024-02-19. Review status: criteria provided, single submitter. Criteria: ACMG Guidelines, 2015. Collection method: clinical testing. Allele origin: germline. Affected: no.
Comment: DNA sequence analysis of the PMS2 gene demonstrated a sequence change, c.2559C>G, in exon 15 that results in an amino acid change, p.Ile853Met. This sequence change has been previously described in individuals with breast cancer, pancreatic cancer and Lynch syndrome (PMID: 31391288, 25186627, 29360161). Functional and structural analysis did not provide sufficient evidence to determine exact impact on PMS2 protein function (PMID: 28494185). This sequence change has been described in the gnomAD database with a frequency of 0.027% in the South Asian subpopulation (dbSNP rs371673459). The p.Ile853Met change affects a poorly conserved amino acid residue located in a domain of the PMS2 protein that is not known to be functional. The p.Ile853Met substitution appears to be benign using several in-silico pathogenicity prediction tools (SIFT, PolyPhen2, Align GVGD, REVEL). Due to insufficient evidences, the clinical significance of the p.Ile853Met change remains unknown at this time.